The following is an entry in ClinVar:

ClinVar aggregate classification (germline): Uncertain significance (1 of 4 stars; one submission).

gnomAD v4.1: 1 of 1,614,158 alleles (0.000062%); no homozygotes.

Submission:

Labcorp Genetics (formerly Invitae), Labcorp
Classification: Uncertain significance. Last evaluated: 2025-02-15. Review status: criteria provided, single submitter. Criteria: Invitae Variant Classification Sherloc (09022015). Collection method: clinical testing. Allele origin: germline.
Comment: This sequence change falls in intron 9 of the SIAE gene. It does not directly change the encoded amino acid sequence of the SIAE protein. This variant is present in population databases (no rsID available, gnomAD 0.007%). This variant has not been reported in the literature in individuals affected with SIAE-related conditions. Algorithms developed to predict the effect of sequence changes on RNA splicing suggest that this variant may disrupt the consensus splice site. In summary, the available evidence is currently insufficient to determine the role of this variant in disease. Therefore, it has been classified as a Variant of Uncertain Significance.

NM_170601.5(SIAE):c.1321-4T>G

Gene: SIAE (sialic acid acetylesterase; minus strand). Cytogenetic location: 11q24.2.
Variant type: single nucleotide variant.
Coding change: c.1321-4T>G on transcript NM_170601.5 (MANE Select); 4 bases into the intron before coding-DNA position 1321, T replaced by G.
Molecular consequence: intron variant.
Genome position (GRCh38, 1-based): chr11:124,637,206, A>C on the plus strand (T>G on the coding strand, the complement: SIAE is on the minus strand). VCF-style: chr11-124637206-A-C. GRCh37 (hg19) VCF-style: chr11-124507102-A-C.
Other names: c.1216-4T>G (NM_001199922.2).
Identifiers: ClinVar variation 4773436 (VCV004773436.1).